The following is an entry in ClinVar:

ClinVar aggregate classification (germline): Pathogenic (1 of 4 stars; one submission).

Submission:

Labcorp Genetics (formerly Invitae), Labcorp
Classification: Pathogenic. Last evaluated: 2021-04-29. Review status: criteria provided, single submitter. Criteria: Invitae Variant Classification Sherloc (09022015). Collection method: clinical testing. Allele origin: germline.
Comment: This sequence change creates a premature translational stop signal (p.Thr90Alafs*3) in the LZTR1 gene. It is expected to result in an absent or disrupted protein product. Loss-of-function variants in LZTR1 are known to be pathogenic (PMID: 24362817, 25335493, 25480913, 29469822, 30442762, 30859559). This variant is not present in population databases (ExAC no frequency). This variant has not been reported in the literature in individuals with LZTR1-related conditions. For these reasons, this variant has been classified as Pathogenic.

Literature cited by the submitters: PubMed 24362817; PubMed 25335493; PubMed 25480913; PubMed 29469822; PubMed 30442762; PubMed 30859559.

NM_006767.4(LZTR1):c.268_272del (p.Thr90fs)

Gene: LZTR1 (leucine zipper like post translational regulator 1; plus strand). Cytogenetic location: 22q11.21.
Variant type: Deletion.
Coding change: c.268_272del on transcript NM_006767.4 (MANE Select); coding-DNA positions 268 to 272, 5 bases deleted (ACCAT; older notation c.268_272delACCAT).
Protein change: p.Thr90fs; shifts the reading frame from threonine 90.
Molecular consequence: frameshift variant.
Genome position (GRCh38, 1-based): chr22:20,985,845-20,985,849, ACCAT deleted. VCF-style (leftmost placement, unchanged base first): chr22-20985844-GACCAT-G. GRCh37 (hg19) VCF-style: chr22-21340133-GACCAT-G.
Other names: short protein forms T90fs.
Identifiers: ClinVar variation 1441809 (VCV001441809.6), dbSNP rs2147959756, ClinGen allele CA2573157724.
Genomic context (GRCh38, chr22:20,985,844, plus strand): 5'-GGGGTCACTGCAGAGTAGACCTGGCTAATGCCACCCTCTCTTCCGGCTGCCTTTCAGGAA[GACCAT>G]GCTCAATGACCTCCTGCGGTTCGATGTGAAAGACTGCTCCTGGTGCAGGTGGGTGGCCCC-3'